The following is an entry in ClinVar:

NM_025265.4(TSEN2):c.1104A>G (p.Leu368=)

Gene: TSEN2 (tRNA splicing endonuclease subunit 2; plus strand). Cytogenetic location: 3p25.2.
Variant type: single nucleotide variant.
Coding change: c.1104A>G on transcript NM_025265.4 (MANE Select); coding-DNA position 1104, A replaced by G.
Protein change: p.Leu368=; no amino-acid change (leucine 368 retained).
Molecular consequence: synonymous variant. On other transcripts: non-coding transcript variant (1).
Genome position (GRCh38, 1-based): chr3:12,528,892, A>G. VCF-style: chr3-12528892-A-G. GRCh37 (hg19) VCF-style: chr3-12570391-A-G.
Other names: c.1104A>G, p.Leu368= (NM_001145392.2, NM_001321277.2, NM_001321278.2); c.1026A>G, p.Leu342= (NM_001145393.3, NM_001321279.2); c.927A>G, p.Leu309= (NM_001145394.2).
Identifiers: ClinVar variation 343081 (VCV000343081.17), dbSNP rs761076607, ClinGen allele CA2258731.

ClinVar aggregate classification (germline): Conflicting classifications of pathogenicity. Review status: criteria provided, conflicting classifications (1 of 4 stars). 3 submissions from 3 submitters: Uncertain significance (1); Likely benign (2). Last evaluated 2026-02-01.

Conditions:
Pontoneocerebellar hypoplasia. Also called: Non-syndromic pontocerebellar hypoplasia; Pontocerebellar hypoplasia. Identifiers: Orphanet 98523, MedGen C1261175, MONDO:0020135.

Allele frequency attached by ClinVar (database versions not stated): gnomAD 0.00006; gnomAD exomes 0.00016 and 0.00033; TOPMed 0.00019; ExAC 0.00023.
gnomAD v4.1: 109 of 1,613,760 alleles (0.0068%); highest among the groups gnomAD compares: Admixed American, 0.17%; no homozygotes.

Submissions (3):

CeGaT Center for Human Genetics Tuebingen
Classification: Likely benign. Last evaluated: 2026-02-01. Review status: criteria provided, single submitter. Criteria: CeGaT Center For Human Genetics Tuebingen Variant Classification Criteria Version 2. Collection method: clinical testing. Allele origin: germline. Affected: yes. Observed: 1 variant allele.
Comment: TSEN2: BP4, BP7

Labcorp Genetics (formerly Invitae), Labcorp
Classification: Likely benign. Last evaluated: 2026-01-19. Review status: criteria provided, single submitter. Criteria: Invitae Variant Classification Sherloc (09022015). Collection method: clinical testing. Allele origin: germline.

Illumina Laboratory Services, Illumina
Classification: Uncertain significance for Pontoneocerebellar hypoplasia. Last evaluated: 2018-01-12. Review status: criteria provided, single submitter. Criteria: ICSL Variant Classification Criteria 13 December 2019. Collection method: clinical testing. Allele origin: germline.